The following is an entry in ClinVar:

NM_001024845.3(SLC6A9):c.641G>T (p.Arg214Leu)

Gene: SLC6A9 (solute carrier family 6 member 9; minus strand). Cytogenetic location: 1p34.1.
Variant type: single nucleotide variant.
Coding change: c.641G>T on transcript NM_001024845.3 (MANE Select); coding-DNA position 641, G replaced by T.
Protein change: p.Arg214Leu; replaces arginine 214 with leucine.
Molecular consequence: missense variant. On other transcripts: non-coding transcript variant (1).
Genome position (GRCh38, 1-based): chr1:44,002,935, C>A on the plus strand (G>T on the coding strand, the complement: SLC6A9 is on the minus strand). VCF-style: chr1-44002935-C-A. GRCh37 (hg19) VCF-style: chr1-44468607-C-A.
Other names: c.653G>T, p.Arg218Leu (NM_001261380.2); c.308G>T, p.Arg103Leu (NM_001328626.2, NM_001328630.2); c.578G>T, p.Arg193Leu (NM_001328627.1); c.446G>T, p.Arg149Leu (NM_001328628.1); c.641G>T, p.Arg214Leu (NM_001328629.1); c.698G>T, p.Arg233Leu (NM_006934.4); c.860G>T, p.Arg287Leu (NM_201649.4); short protein forms R149L, R193L, R287L, R103L, R214L, R233L, R218L.
Identifiers: ClinVar variation 1413585 (VCV001413585.8), dbSNP rs201950352, ClinGen allele CA21713256.

ClinVar aggregate classification (germline): Uncertain significance (1 of 4 stars; one submission).

Conditions:
Atypical glycine encephalopathy. Also called: Glycine encephalopathy with normal serum glycine. Identifiers: Orphanet 289863, MedGen C4310943, MONDO:0015010, OMIM 617301.

gnomAD v4.1: 27 of 1,613,416 alleles (0.0017%); highest among the groups gnomAD compares: Non-Finnish European, 0.0021%; no homozygotes.

Submission:

Labcorp Genetics (formerly Invitae), Labcorp
Classification: Uncertain significance for Atypical glycine encephalopathy. Last evaluated: 2021-08-17. Review status: criteria provided, single submitter. Criteria: Invitae Variant Classification Sherloc (09022015). Collection method: clinical testing. Allele origin: germline.
Comment: This sequence change replaces arginine with leucine at codon 287 of the SLC6A9 protein (p.Arg287Leu). The arginine residue is moderately conserved and there is a moderate physicochemical difference between arginine and leucine. This variant is not present in population databases (ExAC no frequency). This variant has not been reported in the literature in individuals affected with SLC6A9-related conditions. Algorithms developed to predict the effect of missense changes on protein structure and function are either unavailable or do not agree on the potential impact of this missense change (SIFT: "Tolerated"; PolyPhen-2: "Possibly Damaging"; Align-GVGD: "Class C0"). In summary, the available evidence is currently insufficient to determine the role of this variant in disease. Therefore, it has been classified as a Variant of Uncertain Significance.